The following is an entry in ClinVar:

NM_002834.5(PTPN11):c.727G>C (p.Val243Leu)

Gene: PTPN11 (protein tyrosine phosphatase non-receptor type 11; plus strand). Cytogenetic location: 12q24.13.
Variant type: single nucleotide variant.
Coding change: c.727G>C on transcript NM_002834.5 (MANE Select); coding-DNA position 727, G replaced by C.
Protein change: p.Val243Leu; replaces valine 243 with leucine.
Molecular consequence: missense variant.
Genome position (GRCh38, 1-based): chr12:112,456,034, G>C. VCF-style: chr12-112456034-G-C. GRCh37 (hg19) VCF-style: chr12-112893838-G-C.
Other names: c.727G>C, p.Val243Leu (NM_001330437.2, NM_080601.3); c.724G>C, p.Val242Leu (NM_001374625.1); short protein forms V242L, V243L.
Identifiers: ClinVar variation 5027646 (VCV005027646.1).

ClinVar aggregate classification (germline): Uncertain significance (1 of 4 stars; one submission).

Conditions:
Cardiovascular phenotype. Identifiers: MedGen CN230736.

Submission:

Ambry Genetics
Classification: Uncertain significance for Cardiovascular phenotype. Last evaluated: 2026-09-05. Review status: criteria provided, single submitter. Criteria: Ambry Variant Classification Scheme 2023. Collection method: clinical testing. Allele origin: germline.
Comment: The p.V243L variant (also known as c.727G>C), located in coding exon 6 of the PTPN11 gene, results from a G to C substitution at nucleotide position 727. The valine at codon 243 is replaced by leucine, an amino acid with highly similar properties. This amino acid position is conserved. In addition, the in silico prediction for this alteration is inconclusive. Based on the available evidence, the clinical significance of this variant remains unclear.